The following is an entry in ClinVar:

NM_000038.6(APC):c.1959-15T>C

Gene: APC (APC regulator of Wnt signaling pathway; plus strand). Cytogenetic location: 5q22.2.
Variant type: single nucleotide variant.
Coding change: c.1959-15T>C on transcript NM_000038.6 (MANE Select); 15 bases into the intron before coding-DNA position 1959, T replaced by C.
Molecular consequence: intron variant.
Genome position (GRCh38, 1-based): chr5:112,837,538, T>C. VCF-style: chr5-112837538-T-C. GRCh37 (hg19) VCF-style: chr5-112173235-T-C.
Other names: c.1110-15T>C (NM_001407470.1, NM_001354906.2); c.807-15T>C (NM_001407472.1, NM_001407471.1); c.2013-15T>C (NM_001407447.1, NM_001407448.1, NM_001407449.1 and 1 more transcripts); c.1959-15T>C (NM_001354895.2, NM_001407450.1, NM_001127510.3); c.1710-15T>C (NM_001407456.1, NM_001407457.1, NM_001407455.1 and 1 more transcripts); c.1656-15T>C (NM_001407460.1, NM_001407458.1, NM_001407459.1 and 1 more transcripts); c.1929-15T>C (NM_001407452.1); c.1572-15T>C (NM_001407469.1, NM_001407467.1); and 11 more.
Identifiers: ClinVar variation 2774798 (VCV002774798.5), dbSNP rs2149857322, ClinGen allele CA2674855965.
Genomic context (GRCh38, chr5:112,837,538, plus strand): 5'-TCTTCTATCCTTTTATTTGTTGTTACTGCATACACATTGTGACCTTAATTTTGTGATCTC[T>C]TGATTTTATTTCAGGCAAATCCTAAGAGAGAACAACTGTCTACAAACTTTATTACAACAC-3'

ClinVar aggregate classification (germline): Likely benign. Review status: criteria provided, multiple submitters, no conflicts (2 of 4 stars). 3 submissions from 3 submitters: Likely benign (3). Last evaluated 2024-03-08.

Conditions:
Familial adenomatous polyposis 1 (FAP1). Also called: FAMILIAL ADENOMATOUS POLYPOSIS 1, ATTENUATED; POLYPOSIS, ADENOMATOUS INTESTINAL. Identifiers: MedGen C2713442, MONDO:0021056, OMIM 175100. Disease mechanism: loss of function.
Hereditary cancer-predisposing syndrome. Also called: Neoplastic Syndromes, Hereditary; Tumor predisposition; Hereditary Cancer Syndrome; Hereditary neoplastic syndrome. Identifiers: Orphanet 140162, MedGen C0027672, MeSH D009386, MONDO:0015356.

Allele frequency attached by ClinVar (database versions not stated): gnomAD exomes below 0.00001.

Submissions (3):

Myriad Genetics, Inc.
Classification: Likely benign for Familial adenomatous polyposis 1. Last evaluated: 2024-03-08. Review status: criteria provided, single submitter. Criteria: Myriad Autosomal Dominant, Autosomal Recessive and X-Linked Classification Criteria (2023). Collection method: clinical testing. Allele origin: unknown.
Comment: This variant is considered likely benign. This variant is intronic and is not expected to impact mRNA splicing.

Labcorp Genetics (formerly Invitae), Labcorp
Classification: Likely benign for Familial adenomatous polyposis 1. Last evaluated: 2024-02-01. Review status: criteria provided, single submitter. Criteria: Invitae Variant Classification Sherloc (09022015). Collection method: clinical testing. Allele origin: germline.

Color Diagnostics, LLC DBA Color Health
Classification: Likely benign for Hereditary cancer-predisposing syndrome. Last evaluated: 2022-07-08. Review status: criteria provided, single submitter. Criteria: ACMG Guidelines, 2015. Collection method: clinical testing. Allele origin: germline.